The following is an entry in ClinVar:

NM_002098.6(GUCA1B):c.56C>T (p.Ala19Val)

Gene: GUCA1B (guanylate cyclase activator 1B; minus strand). Cytogenetic location: 6p21.1.
Variant type: single nucleotide variant.
Coding change: c.56C>T on transcript NM_002098.6 (MANE Select); coding-DNA position 56, C replaced by T.
Protein change: p.Ala19Val; replaces alanine 19 with valine.
Molecular consequence: missense variant.
Genome position (GRCh38, 1-based): chr6:42,194,765, G>A on the plus strand (C>T on the coding strand, the complement: GUCA1B is on the minus strand). VCF-style: chr6-42194765-G-A. GRCh37 (hg19) VCF-style: chr6-42162503-G-A.
Other names: c.56C>T (NM_002098.5); short protein forms A19V.
Identifiers: ClinVar variation 1941063 (VCV001941063.7), dbSNP rs1187293594, ClinGen allele CA364114105.
Genomic context (GRCh38, chr6:42,194,765, plus strand): 5'-ATAAAGAGTGTGCCGCTGGGGCACTCCATCACAAACTTCTTGTACCACTCCTGGAGCTCC[G>A]CCACATCTATCTCGCCAGCTGCCTCCGCCTCCTCCCAGCTAAACTCCTGCCCCATGCTAG-3'
Protein context (NP_002089.4, residues 9-29): EAEAAGEIDV[Ala19Val]ELQEWYKKFV

ClinVar aggregate classification (germline): Uncertain significance. Review status: criteria provided, multiple submitters, no conflicts (2 of 4 stars). 3 submissions from 3 submitters: Uncertain significance (2). 1 of the submissions does not count toward it. Last evaluated 2025-08-28.

Conditions:
Retinitis pigmentosa 48 (RP48). Also called: GUCA1B-Related Retinitis Pigmentosa. Identifiers: Orphanet 791, MedGen C3151190, MONDO:0013447, OMIM 613827.

Allele frequency attached by ClinVar (database versions not stated): gnomAD 0.00001; gnomAD exomes 0.00001; TOPMed 0.00002.

Submissions (3):

Ambry Genetics
Classification: Uncertain significance. Last evaluated: 2025-08-28. Review status: criteria provided, single submitter. Criteria: Ambry Variant Classification Scheme 2023. Collection method: clinical testing. Allele origin: germline.

Labcorp Genetics (formerly Invitae), Labcorp
Classification: Uncertain significance. Last evaluated: 2022-01-28. Review status: criteria provided, single submitter. Criteria: Invitae Variant Classification Sherloc (09022015). Collection method: clinical testing. Allele origin: germline.
Comment: In summary, the available evidence is currently insufficient to determine the role of this variant in disease. Therefore, it has been classified as a Variant of Uncertain Significance. Algorithms developed to predict the effect of missense changes on protein structure and function (SIFT, PolyPhen-2, Align-GVGD) all suggest that this variant is likely to be tolerated. This variant has not been reported in the literature in individuals affected with GUCA1B-related conditions. This variant is not present in population databases (gnomAD no frequency). This sequence change replaces alanine, which is neutral and non-polar, with valine, which is neutral and non-polar, at codon 19 of the GUCA1B protein (p.Ala19Val).

Zotz-Klimas Genetics Lab, MVZ Zotz Klimas
Classification: Uncertain significance for Retinitis pigmentosa 48. Last evaluated: 2023-10-09. Review status: no assertion criteria provided. Collection method: clinical testing. Allele origin: germline. Affected: yes. Not counted in ClinVar's aggregate classification.